The following is an entry in ClinVar:

NM_024704.5(KIF16B):c.1588G>A (p.Val530Met)

Gene: KIF16B (kinesin family member 16B; minus strand). Cytogenetic location: 20p12.1.
Variant type: single nucleotide variant.
Coding change: c.1588G>A on transcript NM_024704.5 (MANE Select); coding-DNA position 1588, G replaced by A.
Protein change: p.Val530Met; replaces valine 530 with methionine.
Molecular consequence: missense variant.
Genome position (GRCh38, 1-based): chr20:16,427,128, C>T on the plus strand (G>A on the coding strand, the complement: KIF16B is on the minus strand). VCF-style: chr20-16427128-C-T. GRCh37 (hg19) VCF-style: chr20-16407773-C-T.
Other names: c.1588G>A, p.Val530Met (NM_001199865.2, NM_001199866.2); short protein forms V530M.
Identifiers: ClinVar variation 161566 (VCV000161566.3), dbSNP rs193920855, ClinGen allele CA174356.

ClinVar aggregate classification (germline): Likely benign. Review status: criteria provided, single submitter (1 of 4 stars). 2 submissions from 2 submitters: Likely benign (1). 1 of the submissions does not count toward it. Last evaluated 2025-02-07.

Conditions:
Prostate cancer. Also called: Malignant tumor of prostate. Identifiers: Orphanet 1331, MedGen C0376358, MONDO:0008315, HP:0012125.

Allele frequency attached by ClinVar (database versions not stated): TOPMed 0.00002; gnomAD exomes 0.00002; gnomAD 0.00006; ExAC 0.00002.

Submissions (2):

Ambry Genetics
Classification: Likely benign. Last evaluated: 2025-02-07. Review status: criteria provided, single submitter. Criteria: Ambry Variant Classification Scheme 2023. Collection method: clinical testing. Allele origin: germline.

Science for Life laboratory,  Karolinska Institutet
Classification: Uncertain significance for Malignant tumor of prostate. Review status: no assertion criteria provided. Collection method: not provided. Allele origin: somatic. Not counted in ClinVar's aggregate classification.
Comment: TumorID:SWE-16
ClinVar note: Converted during submission from Unknown to Uncertain significance.